The following is an entry in ClinVar:

NM_001164462.2(MUC12):c.11991C>T (p.His3997=)

Gene: MUC12 (mucin 12, cell surface associated; plus strand). Cytogenetic location: 7q22.1.
Variant type: single nucleotide variant.
Coding change: c.11991C>T on transcript NM_001164462.2 (MANE Select); coding-DNA position 11991, C replaced by T.
Protein change: p.His3997=; no amino-acid change (histidine 3997 retained).
Molecular consequence: synonymous variant.
Genome position (GRCh38, 1-based): chr7:101,002,554, C>T. VCF-style: chr7-101002554-C-T. GRCh37 (hg19) VCF-style: chr7-100645835-C-T.
Identifiers: ClinVar variation 2657819 (VCV002657819.24), dbSNP rs760878075, ClinGen allele CA4400110.

ClinVar aggregate classification (germline): Likely benign (1 of 4 stars; one submission).

Allele frequency attached by ClinVar (database versions not stated): gnomAD 0.00014; ExAC 0.00049; 1000 Genomes Project 30x 0.00531.

Submission:

CeGaT Center for Human Genetics Tuebingen
Classification: Likely benign. Last evaluated: 2022-12-01. Review status: criteria provided, single submitter. Criteria: CeGaT Center For Human Genetics Tuebingen Variant Classification Criteria Version 2. Collection method: clinical testing. Allele origin: germline. Affected: yes. Observed: 1 variant allele.
Comment: MUC12: BP4, BP7